The following is an entry in ClinVar:

NM_001376.5(DYNC1H1):c.8772-105G>T

Gene: DYNC1H1 (dynein cytoplasmic 1 heavy chain 1; plus strand). Cytogenetic location: 14q32.31.
Variant type: single nucleotide variant.
Coding change: c.8772-105G>T on transcript NM_001376.5 (MANE Select); 105 bases into the intron before coding-DNA position 8772, G replaced by T.
Molecular consequence: intron variant.
Genome position (GRCh38, 1-based): chr14:102,027,069, G>T. VCF-style: chr14-102027069-G-T. GRCh37 (hg19) VCF-style: chr14-102493406-G-T.
Identifiers: ClinVar variation 678752 (VCV000678752.1), dbSNP rs74824044, ClinGen allele CA266962069.
Genomic context (GRCh38, chr14:102,027,069, plus strand): 5'-TCTTTGCATTCCTCCTGGACTTCACAAATAACAGTTGCTCAGCAAATGTTTAATATACAA[G>T]TTCAAGTTAAAACATGTCCAAAATACTGTAGACACTAGATATGAGTCAAAAGGGGAATGA-3'

ClinVar aggregate classification (germline): Likely benign (1 of 4 stars; one submission).

Allele frequency attached by ClinVar (database versions not stated): 1000 Genomes Project 30x 0.00406; gnomAD exomes 0.00028; gnomAD 0.00309 and 0.00332; TOPMed 0.00311; 1000 Genomes Project 0.00399.
gnomAD v4.1: 796 of 1,305,912 alleles (0.061%); highest among the groups gnomAD compares: African/African-American, 1.1%; 1 homozygote.

Submission:

GeneDx
Classification: Likely benign. Last evaluated: 2018-06-16. Review status: criteria provided, single submitter. Criteria: GeneDx Variant Classification (06012015). Collection method: clinical testing. Allele origin: germline. Affected: yes.
Comment: This variant is considered likely benign or benign based on one or more of the following criteria: it is a conservative change, it occurs at a poorly conserved position in the protein, it is predicted to be benign by multiple in silico algorithms, and/or has population frequency not consistent with disease.